The following is an entry in ClinVar:

ClinVar aggregate classification (germline): Pathogenic. Review status: criteria provided, multiple submitters, no conflicts (2 of 4 stars). 3 submissions from 3 submitters: Pathogenic (2). 1 of the submissions does not count toward it. Last evaluated 2025-05-12.

Conditions:
ENG-related disorder. Also called: ENG-related disorders; ENG-related condition.
Hereditary hemorrhagic telangiectasia (HHT). Also called: ORW DISEASE; Osler Weber Rendu syndrome; OSLER-RENDU-WEBER DISEASE; Osler hemorrhagic telangiectasia syndrome. Identifiers: Orphanet 774, MedGen C0039445, MONDO:0019180. Disease mechanism: loss of function.

Submissions (3):

Labcorp Genetics (formerly Invitae), Labcorp
Classification: Pathogenic for Hereditary hemorrhagic telangiectasia. Last evaluated: 2025-05-12. Review status: criteria provided, single submitter. Criteria: Invitae Variant Classification Sherloc (09022015). Collection method: clinical testing. Allele origin: germline.
Comment: This sequence change creates a premature translational stop signal (p.Val133Glyfs*16) in the ENG gene. It is expected to result in an absent or disrupted protein product. Loss-of-function variants in ENG are known to be pathogenic (PMID: 15879500). This variant is not present in population databases (gnomAD no frequency). This variant has not been reported in the literature in individuals affected with ENG-related conditions. ClinVar contains an entry for this variant (Variation ID: 2034993). For these reasons, this variant has been classified as Pathogenic.

Mayo Clinic Laboratories, Mayo Clinic
Classification: Pathogenic. Last evaluated: 2022-02-08. Review status: criteria provided, single submitter. Criteria: ACMG Guidelines, 2015. Collection method: clinical testing. Allele origin: germline. Observed: 1 variant allele.
Comment: PP4, PM2, PVS1

PreventionGenetics, part of Exact Sciences
Classification: Likely pathogenic for ENG-related condition. Last evaluated: 2024-09-22. Review status: no assertion criteria provided. Collection method: clinical testing. Allele origin: germline. Not counted in ClinVar's aggregate classification.
Comment: The ENG c.392dupC variant is predicted to result in a frameshift and premature protein termination (p.Val133Glyfs*16). To our knowledge, this variant has not been reported in the literature or a large population database, indicating this variant is rare. Frameshift variants in ENG are expected to be pathogenic. This variant is interpreted as likely pathogenic.

Literature cited by the submitters: PubMed 15879500 (cited by Labcorp Genetics (formerly Invitae), Labcorp).

NM_001114753.3(ENG):c.392dup (p.Val133fs)

Gene: ENG (endoglin; minus strand). Cytogenetic location: 9q34.11.
Variant type: Duplication.
Coding change: c.392dup on transcript NM_001114753.3 (MANE Select); coding-DNA position 392, one base duplicated (C; older notation c.392dupC).
Protein change: p.Val133fs; shifts the reading frame from valine 133.
Molecular consequence: frameshift variant. On other transcripts: 5 prime UTR variant (1).
Genome position (GRCh38, 1-based): chr9:127,826,641, G duplicated on the plus strand (C on the coding strand, the reverse complement: ENG is on the minus strand); the first of 5 consecutive G bases (chr9:127,826,641-127,826,645); duplicating any one gives the same sequence. VCF-style (leftmost placement, unchanged base first): chr9-127826640-C-CG. GRCh37 (hg19) VCF-style: chr9-130588919-C-CG.
Other names: p.Val133Glyfs*16; c.392dup (NM_001114753.2); c.392dupC (NM_000118.3); c.388dup, p.Val133Glyfs (NM_000118.4, NM_001406715.1); c.-155dup (NM_001278138.2); short protein forms V133fs.
Identifiers: ClinVar variation 2034993 (VCV002034993.6), dbSNP rs1554810510, ClinGen allele CA2580079705.
Genomic context (GRCh38, chr9:127,826,640, plus strand): 5'-AGCTGCCCACTCAAGGATCTGGGTCTTGGGGAAGGATGGCAGCTCTGTGGTGTTGACCCC[C>CG]GGGGGCTCTTGGAAGGTGACCAGGCTGGAATTCTGGGGAGACATGTGGAGGCTCAGCACG-3'